The following is an entry in ClinVar:

NM_024596.5(MCPH1):c.1458A>G (p.Lys486=)

Gene: MCPH1 (microcephalin 1; plus strand). Cytogenetic location: 8p23.1.
Variant type: single nucleotide variant.
Coding change: c.1458A>G on transcript NM_024596.5 (MANE Select); coding-DNA position 1458, A replaced by G.
Protein change: p.Lys486=; no amino-acid change (lysine 486 retained).
Molecular consequence: synonymous variant. On other transcripts: non-coding transcript variant (1).
Genome position (GRCh38, 1-based): chr8:6,445,180, A>G. VCF-style: chr8-6445180-A-G. GRCh37 (hg19) VCF-style: chr8-6302701-A-G.
Other names: c.1458A>G, p.Lys486= (NM_001172574.2, NM_001322042.2, NM_001363979.1 and 1 more transcripts); c.1314A>G, p.Lys438= (NM_001172575.2); c.1452A>G, p.Lys484= (NM_001322043.2); c.1356A>G, p.Lys452= (NM_001322045.2).
Identifiers: ClinVar variation 211446 (VCV000211446.26), dbSNP rs192003514, ClinGen allele CA206104.

ClinVar aggregate classification (germline): Conflicting classifications of pathogenicity. Review status: criteria provided, conflicting classifications (1 of 4 stars). 5 submissions from 5 submitters: Uncertain significance (2); Benign (1); Likely benign (2). Last evaluated 2026-01-20.

Allele frequency attached by ClinVar (database versions not stated): ESP Exome Variant Server 0.00008; gnomAD 0.00009 and 0.00014; TOPMed 0.00013; ExAC 0.00027; 1000 Genomes Project 30x 0.00031; gnomAD exomes 0.00034; 1000 Genomes Project 0.00040.
gnomAD v4.1: 104 of 1,614,250 alleles (0.0064%); highest among the groups gnomAD compares: East Asian, 0.19%; 1 homozygote.

Submissions (5):

Labcorp Genetics (formerly Invitae), Labcorp
Classification: Benign. Last evaluated: 2026-01-20. Review status: criteria provided, single submitter. Criteria: Invitae Variant Classification Sherloc (09022015). Collection method: clinical testing. Allele origin: germline.

CeGaT Center for Human Genetics Tuebingen
Classification: Likely benign. Last evaluated: 2025-10-01. Review status: criteria provided, single submitter. Criteria: CeGaT Center For Human Genetics Tuebingen Variant Classification Criteria Version 2. Collection method: clinical testing. Allele origin: germline. Affected: yes. Observed: 1 variant allele.
Comment: MCPH1: BP4, BP7

Blueprint Genetics
Classification: Likely benign. Last evaluated: 2024-11-26. Review status: criteria provided, single submitter. Criteria: ACMG Guidelines, 2015. Collection method: clinical testing. Allele origin: germline.

Eurofins Ntd Llc (ga)
Classification: Uncertain significance. Last evaluated: 2016-12-06. Review status: criteria provided, single submitter. Criteria: EGL Classification Definitions 2015. Collection method: clinical testing. Allele origin: germline. Observed: 1 variant allele, 1 heterozygote.

Genetic Services Laboratory, University of Chicago
Classification: Uncertain significance. Last evaluated: 2015-06-02. Review status: criteria provided, single submitter. Criteria: ACMG Guidelines, 2015. Collection method: clinical testing. Allele origin: germline.